The following is an entry in ClinVar:

ClinVar aggregate classification (germline): Likely benign. Review status: criteria provided, multiple submitters, no conflicts (2 of 4 stars). 2 submissions from 2 submitters: Likely benign (2). Last evaluated 2025-10-19.

Conditions:
PRPF31-related disorder. Also called: PRPF31-related condition.

Allele frequency attached by ClinVar (database versions not stated): gnomAD exomes 0.00001 and 0.00004; TOPMed 0.00001; gnomAD 0.00002.
gnomAD v4.1: 62 of 1,544,720 alleles (0.004%); highest among the groups gnomAD compares: Non-Finnish European, 0.005%; no homozygotes.

Submissions (2):

PreventionGenetics, part of Exact Sciences
Classification: Likely benign for PRPF31-related condition. Last evaluated: 2025-10-19. Review status: criteria provided, single submitter. Criteria: ACMG Guidelines, 2015. Collection method: clinical testing. Allele origin: germline.
Comment: This variant is classified as likely benign based on ACMG/AMP sequence variant interpretation guidelines (Richards et al. 2015 PMID: 25741868, with internal and published modifications).

Labcorp Genetics (formerly Invitae), Labcorp
Classification: Likely benign. Last evaluated: 2022-04-21. Review status: criteria provided, single submitter. Criteria: Invitae Variant Classification Sherloc (09022015). Collection method: clinical testing. Allele origin: germline.

NM_015629.4(PRPF31):c.1074-9C>T

Gene: PRPF31 (pre-mRNA processing factor 31; plus strand). Cytogenetic location: 19q13.42.
Variant type: single nucleotide variant.
Coding change: c.1074-9C>T on transcript NM_015629.4 (MANE Select); 9 bases into the intron before coding-DNA position 1074, C replaced by T.
Molecular consequence: intron variant.
Genome position (GRCh38, 1-based): chr19:54,128,296, C>T. VCF-style: chr19-54128296-C-T. GRCh37 (hg19) VCF-style: chr19-54631671-C-T.
Other names: c.1074-9C>T (NM_015629.3).
Identifiers: ClinVar variation 1636579 (VCV001636579.9), dbSNP rs1440330376, ClinGen allele CA883539115.